The following is an entry in ClinVar:

ClinVar aggregate classification (germline): Uncertain significance (1 of 4 stars; one submission).

Submission:

GeneDx
Classification: Uncertain significance. Last evaluated: 2022-04-07. Review status: criteria provided, single submitter. Criteria: GeneDx Variant Classification Process June 2021. Collection method: clinical testing. Allele origin: germline. Affected: yes.
Comment: Not observed at significant frequency in large population cohorts (gnomAD); In silico analysis supports that this missense variant has a deleterious effect on protein structure/function; Has not been previously published as pathogenic or benign to our knowledge

NM_177438.3(DICER1):c.3937G>A (p.Glu1313Lys)

Gene: DICER1 (dicer 1, ribonuclease III; minus strand). Cytogenetic location: 14q32.13.
Variant type: single nucleotide variant.
Coding change: c.3937G>A on transcript NM_177438.3 (MANE Select); coding-DNA position 3937, G replaced by A.
Protein change: p.Glu1313Lys; replaces glutamic acid 1313 with lysine.
Molecular consequence: missense variant. On other transcripts: non-coding transcript variant (6).
Genome position (GRCh38, 1-based): chr14:95,103,459, C>T on the plus strand (G>A on the coding strand, the complement: DICER1 is on the minus strand). VCF-style: chr14-95103459-C-T. GRCh37 (hg19) VCF-style: chr14-95569796-C-T.
Other names: c.3937G>A, p.Glu1313Lys (NM_001195573.1, NM_001271282.3, NM_001291628.2 and 13 more transcripts); c.3655G>A, p.Glu1219Lys (NM_001395686.1); c.3532G>A, p.Glu1178Lys (NM_001395687.1, NM_001395688.1, NM_001395689.1 and 2 more transcripts); c.3370G>A, p.Glu1124Lys (NM_001395691.1); c.2254G>A, p.Glu752Lys (NM_001395697.1); short protein forms E1124K, E1178K, E1219K, E1313K, E752K.
Identifiers: ClinVar variation 1708827 (VCV001708827.2), dbSNP rs2139956083, ClinGen allele CA390873131.